The following is an entry in ClinVar:

Single allele

Genes: COPS3 (COP9 signalosome subunit 3; minus strand), EPN2-AS1 (EPN2 antisense RNA 1; minus strand), LGALS9B (galectin 9B; minus strand), LGALS9C (galectin 9C; plus strand), LINC02076 (long independently transcribed non-coding RNA 2076; plus strand) and 243 more. Cytogenetic location: 17p11.2.
Variant type: Deletion.
Identifiers: ClinVar variation 4876686 (VCV004876686.1).

ClinVar aggregate classification (germline): Pathogenic (1 of 4 stars; one submission).

Conditions:
Smith-Magenis syndrome (SMS). Also called: CHROMOSOME 17p11.2 DELETION SYNDROME. Identifiers: Orphanet 819, MedGen C0795864, MONDO:0008434, OMIM 182290.

Submission:

Kasturba Medical College, Manipal, Kasturba Medical College, Manipal, Manipal Academy of Higher Education, Manipal, India
Classification: Pathogenic for Smith-Magenis syndrome. Last evaluated: 2026-06-27. Review status: criteria provided, single submitter. Criteria: ACMG Guidelines, 2015. Collection method: research. Allele origin: unknown. Inheritance: Autosomal dominant inheritance. Affected: yes. Observed: 1 variant allele, 1 heterozygote.
Comment: This CNV encompasses 89 genes which include 45 protein-coding genes. This CNV involves the critical gene, RAI1 associated with Smith-Magenis syndrome (MIM #182290). This CNV is not seen in population databases like gnomAD CNVs (v4.1.1) and Database of Genomic Variants (DGV). The overlapping regions of this CNV have been reported in ClinVar (VCV000060455.2, VCV000441875.2) and DECIPHER (302050) databases.